The following is an entry in ClinVar:

ClinVar aggregate classification (germline): Likely benign (0 of 4 stars; one submission).

Conditions:
THBS2-related disorder. Also called: THBS2-related condition.

Allele frequency attached by ClinVar (database versions not stated): gnomAD 0.00001; gnomAD exomes 0.00001.
gnomAD v4.1: 12 of 1,593,984 alleles (0.00075%); highest among the groups gnomAD compares: South Asian, 0.0078%; no homozygotes.

Submission:

PreventionGenetics, part of Exact Sciences
Classification: Likely benign for THBS2-related condition. Last evaluated: 2019-06-27. Review status: no assertion criteria provided. Collection method: clinical testing. Allele origin: germline.
Comment: This variant is classified as likely benign based on ACMG/AMP sequence variant interpretation guidelines (Richards et al. 2015 PMID: 25741868, with internal and published modifications).

NM_003247.5(THBS2):c.*2C>T

Genes: THBS2 (thrombospondin 2; minus strand), THBS2-AS1 (THBS2 antisense RNA 1; plus strand). Cytogenetic location: 6q27.
Variant type: single nucleotide variant.
Coding change: c.*2C>T on transcript NM_003247.5 (MANE Select); 2 bases downstream of the stop codon, C replaced by T.
Molecular consequence: 3 prime UTR variant. On other transcripts: non-coding transcript variant (2).
Genome position (GRCh38, 1-based): chr6:169,217,820, G>A on the plus strand (C>T on the coding strand, the complement: THBS2 is on the minus strand). VCF-style: chr6-169217820-G-A. GRCh37 (hg19) VCF-style: chr6-169617915-G-A.
Other names: c.*2C>T (NM_001381939.1, NM_001381942.1).
Identifiers: ClinVar variation 3042615 (VCV003042615.2), dbSNP rs1215621645, ClinGen allele CA571991520.